The following is an entry in ClinVar:

ClinVar aggregate classification (germline): Pathogenic (1 of 4 stars; one submission).

Conditions:
Neurofibromatosis, type 1 (NF1). Also called: VON RECKLINGHAUSEN DISEASE; NEUROFIBROMATOSIS, TYPE I, SOMATIC; Peripheral type neurofibromatosis; Neurofibromatosis, type I. Identifiers: Orphanet 636, MedGen C0027831, MONDO:0018975, OMIM 162200. Disease mechanism: loss of function.

Submission:

Labcorp Genetics (formerly Invitae), Labcorp
Classification: Pathogenic for Neurofibromatosis, type 1. Last evaluated: 2026-01-05. Review status: criteria provided, single submitter. Criteria: Invitae Variant Classification Sherloc (09022015). Collection method: clinical testing. Allele origin: germline.
Comment: This sequence change falls in intron 2 of the NF1 gene. It does not directly change the encoded amino acid sequence of the NF1 protein. It affects a nucleotide within the consensus splice site. This variant is not present in population databases (gnomAD no frequency). This variant has been observed in individual(s) with clinical features of neurofibromatosis type I (internal data). Invitae Evidence Modeling of clinical and family history, age, sex, and reported ancestry of multiple individuals with this NF1 variant has been performed. This variant is expected to be pathogenic with a positive predictive value of at least 99%. This is a validated machine learning model that incorporates the clinical features of 1,785,918 individuals referred to our laboratory for NF1 testing. ClinVar contains an entry for this variant (Variation ID: 662071). Variants that disrupt the consensus splice site are a relatively common cause of aberrant splicing (PMID: 17576681, 9536098). Algorithms developed to predict the effect of sequence changes on RNA splicing suggest that this variant may disrupt the consensus splice site. For these reasons, this variant has been classified as Pathogenic.

Literature cited by the submitters: PubMed 17576681; PubMed 9536098.

NM_001042492.3(NF1):c.204+4del

Gene: NF1 (neurofibromin 1; plus strand). Cytogenetic location: 17q11.2.
Variant type: Deletion.
Coding change: c.204+4del on transcript NM_001042492.3 (MANE Select); 4 bases into the intron after coding-DNA position 204, one base deleted (A; older notation c.204+4delA).
Molecular consequence: intron variant.
Genome position (GRCh38, 1-based): chr17:31,156,130, A deleted. VCF-style (leftmost placement, unchanged base first): chr17-31156129-GA-G. GRCh37 (hg19) VCF-style: chr17-29483147-GA-G.
Other names: c.204+4del (NM_000267.4, NM_001128147.3); c.204+4delA (NM_000267.3).
Identifiers: ClinVar variation 662071 (VCV000662071.4), dbSNP rs1597626163, ClinGen allele CA915949694.
Genomic context (GRCh38, chr17:31,156,129, plus strand): 5'-CAAGTTTTCTTTGGTTATAAGCGGCCTCACTACTATTTTAAAGAATGTTAACAATATGGT[GA>G]GTATTTGGGTTACTGTGTTTTGGGGAATTTGCTTTCTTTTCTTTTTGATTAAAAAGTTTA-3'